The following is an entry in ClinVar:

ClinVar aggregate classification (germline): Conflicting classifications of pathogenicity. Review status: criteria provided, conflicting classifications (1 of 4 stars). 3 submissions from 3 submitters: Uncertain significance (1); Likely benign (1). 1 of the submissions does not count toward it. Last evaluated 2026-03-03.

Conditions:
EP300-related disorder. Also called: EP300-related disorders; EP300-related condition.
Rubinstein-Taybi syndrome due to EP300 haploinsufficiency. Also called: EP300-Related Rubinstein-Taybi Syndrome; RUBINSTEIN-TAYBI SYNDROME 2. Identifiers: Orphanet 353284, Orphanet 783, MedGen C3150941, MONDO:0013364, OMIM 613684.

Allele frequency attached by ClinVar (database versions not stated): gnomAD 0.00002; TOPMed 0.00006.
gnomAD v4.1: 137 of 1,614,074 alleles (0.0085%); highest among the groups gnomAD compares: Non-Finnish European, 0.0097%; no homozygotes.

Submissions (3):

Women's Health and Genetics/Laboratory Corporation of America, LabCorp
Classification: Uncertain significance. Last evaluated: 2026-03-03. Review status: criteria provided, single submitter. Criteria: LabCorp Variant Classification Summary - May 2015. Collection method: clinical testing. Allele origin: germline.
Comment: Variant summary: EP300 c.5597C>T (p.Pro1866Leu) results in a non-conservative amino acid change in the encoded protein sequence. Algorithms developed to predict the effect of missense changes on protein structure and function are either unavailable or do not agree on the potential impact of this missense change. The variant allele was found at a frequency of 8.5e-05 in 1614074 control chromosomes. This frequency is not significantly higher than estimated for disease-causing variants in EP300, allowing no conclusion about variant significance. c.5597C>T has been observed in individual(s) affected with congenital heart disease without strong evidence for causality (Sierant_2025). This report does not provide unequivocal conclusions about association of the variant with Rubinstein-Taybi Syndrome 2. To our knowledge, no experimental evidence demonstrating an impact on protein function has been reported. The following publication has been ascertained in the context of this evaluation (PMID: 40127276). ClinVar contains an entry for this variant (Variation ID: 2197269). Based on the evidence outlined above, the variant was classified as uncertain significance.

Labcorp Genetics (formerly Invitae), Labcorp
Classification: Likely benign for Rubinstein-Taybi syndrome due to EP300 haploinsufficiency. Last evaluated: 2024-06-14. Review status: criteria provided, single submitter. Criteria: Invitae Variant Classification Sherloc (09022015). Collection method: clinical testing. Allele origin: germline.

PreventionGenetics, part of Exact Sciences
Classification: Likely benign for EP300-related condition. Last evaluated: 2024-05-08. Review status: no assertion criteria provided. Collection method: clinical testing. Allele origin: germline. Not counted in ClinVar's aggregate classification.
Comment: This variant is classified as likely benign based on ACMG/AMP sequence variant interpretation guidelines (Richards et al. 2015 PMID: 25741868, with internal and published modifications).

Literature cited by the submitters: PubMed 40127276 (cited by Women's Health and Genetics/Laboratory Corporation of America, LabCorp).

NM_001429.4(EP300):c.5597C>T (p.Pro1866Leu)

Gene: EP300 (EP300 lysine acetyltransferase; plus strand). Cytogenetic location: 22q13.2.
Variant type: single nucleotide variant.
Coding change: c.5597C>T on transcript NM_001429.4 (MANE Select); coding-DNA position 5597, C replaced by T.
Protein change: p.Pro1866Leu; replaces proline 1866 with leucine.
Molecular consequence: missense variant.
Genome position (GRCh38, 1-based): chr22:41,177,308, C>T. VCF-style: chr22-41177308-C-T. GRCh37 (hg19) VCF-style: chr22-41573312-C-T.
Other names: c.5519C>T, p.Pro1840Leu (NM_001362843.2); c.5597C>T (NM_001429.3); short protein forms P1866L, P1840L.
Identifiers: ClinVar variation 2197269 (VCV002197269.9), dbSNP rs763290593, ClinGen allele CA10253661.